The following is an entry in ClinVar:

NM_000138.5(FBN1):c.5066-1G>T

Gene: FBN1 (fibrillin 1; minus strand). Cytogenetic location: 15q21.1.
Variant type: single nucleotide variant.
Coding change: c.5066-1G>T on transcript NM_000138.5 (MANE Select); the canonical splice acceptor site of the intron before coding-DNA position 5066, G replaced by T.
Molecular consequence: splice acceptor variant.
Genome position (GRCh38, 1-based): chr15:48,463,241, C>A on the plus strand (G>T on the coding strand, the complement: FBN1 is on the minus strand). VCF-style: chr15-48463241-C-A. GRCh37 (hg19) VCF-style: chr15-48755438-C-A.
Other names: c.5066-1G>T (NM_001406716.1).
Identifiers: ClinVar variation 1069625 (VCV001069625.10), dbSNP rs397515819, ClinGen allele CA392349394.

ClinVar aggregate classification (germline): Pathogenic. Review status: criteria provided, multiple submitters, no conflicts (2 of 4 stars). 2 submissions from 2 submitters: Pathogenic (2). Last evaluated 2024-07-29.

Conditions:
Familial thoracic aortic aneurysm and aortic dissection (TAAD). Also called: Thoracic aortic aneurysms and dissections. Identifiers: Orphanet 91387, MedGen C4707243, MONDO:0019625.
Marfan syndrome (MFS). Also called: Marfan syndrome type 1; Marfan's syndrome; Marfan syndrome, classic; MARFAN SYNDROME, TYPE I; FBN1-Related Marfan Syndrome. Identifiers: Orphanet 284963, Orphanet 558, MedGen C0024796, MONDO:0007947, OMIM 154700.

Submissions (2):

GeneDx
Classification: Pathogenic. Last evaluated: 2024-07-29. Review status: criteria provided, single submitter. Criteria: GeneDx Variant Classification Process June 2021. Collection method: clinical testing. Allele origin: germline. Affected: yes.
Comment: Not observed at significant frequency in large population cohorts (gnomAD); Deletions involving coding exons of this gene are a known mechanism of disease (HGMD); Canonical splice site variant predicted to result in an in-frame loss of the adjacent exon in a gene for which loss of function is a known mechanism of disease; This variant is associated with the following publications: (PMID: 31536524)

Labcorp Genetics (formerly Invitae), Labcorp
Classification: Pathogenic for Marfan syndrome; Familial thoracic aortic aneurysm and aortic dissection. Last evaluated: 2020-03-09. Review status: criteria provided, single submitter. Criteria: Invitae Variant Classification Sherloc (09022015). Collection method: clinical testing. Allele origin: germline.
Comment: Donor and acceptor splice site variants typically lead to a loss of protein function (PMID: 16199547), and loss-of-function variants in FBN1 are known to be pathogenic (PMID: 17657824, 19293843). For these reasons, this variant has been classified as Pathogenic. Algorithms developed to predict the effect of sequence changes on RNA splicing suggest that this variant may disrupt the consensus splice site, but this prediction has not been confirmed by published transcriptional studies. Disruption of this splice site has been observed in individual(s) with Marfan syndrome (PMID: 24793577, 27906200). This variant is not present in population databases (ExAC no frequency). This sequence change affects an acceptor splice site in intron 41 of the FBN1 gene. It is expected to disrupt RNA splicing and likely results in an absent or disrupted protein product.

Literature cited by the submitters: PubMed 16199547 (cited by Labcorp Genetics (formerly Invitae), Labcorp); PubMed 17657824 (cited by Labcorp Genetics (formerly Invitae), Labcorp); PubMed 19293843 (cited by Labcorp Genetics (formerly Invitae), Labcorp); PubMed 24793577 (cited by Labcorp Genetics (formerly Invitae), Labcorp); PubMed 27906200 (cited by Labcorp Genetics (formerly Invitae), Labcorp).